The following is an entry in ClinVar:

NM_018943.3(TUBA8):c.427G>T (p.Gly143Trp)

Gene: TUBA8 (tubulin alpha 8; plus strand). Cytogenetic location: 22q11.21.
Variant type: single nucleotide variant.
Coding change: c.427G>T on transcript NM_018943.3 (MANE Select); coding-DNA position 427, G replaced by T.
Protein change: p.Gly143Trp; replaces glycine 143 with tryptophan.
Molecular consequence: missense variant.
Genome position (GRCh38, 1-based): chr22:18,126,405, G>T. VCF-style: chr22-18126405-G-T. GRCh37 (hg19) VCF-style: chr22-18609172-G-T.
Other names: c.229G>T, p.Gly77Trp (NM_001193414.2); short protein forms G143W, G77W.
Identifiers: ClinVar variation 1211134 (VCV001211134.12), dbSNP rs377420893, ClinGen allele CA10093678.
Genomic context (GRCh38, chr22:18,126,405, plus strand): 5'-TCTCCCTAGACAGATGCTTGCTCTGGCCTGCAGGGCTTCCTGATTTTCCACAGTTTTGGT[G>T]GGGGCACTGGCTCCGGCTTCACTTCTCTGCTGATGGAACGCCTCTCCCTGGATTATGGCA-3'
Protein context (NP_061816.1, residues 133-153): QGFLIFHSFG[Gly143Trp]GTGSGFTSLL

ClinVar aggregate classification (germline): Uncertain significance. Review status: criteria provided, multiple submitters, no conflicts (2 of 4 stars). 3 submissions from 3 submitters: Uncertain significance (3). Last evaluated 2025-10-07.

Allele frequency attached by ClinVar (database versions not stated): ESP Exome Variant Server 0.00023.
gnomAD v4.1: 43 of 1,613,882 alleles (0.0027%); highest among the groups gnomAD compares: Non-Finnish European, 0.0036%; no homozygotes.

Submissions (3):

Ambry Genetics
Classification: Uncertain significance. Last evaluated: 2025-10-07. Review status: criteria provided, single submitter. Criteria: Ambry Variant Classification Scheme 2023. Collection method: clinical testing. Allele origin: germline.

Labcorp Genetics (formerly Invitae), Labcorp
Classification: Uncertain significance. Last evaluated: 2025-01-19. Review status: criteria provided, single submitter. Criteria: Invitae Variant Classification Sherloc (09022015). Collection method: clinical testing. Allele origin: germline.
Comment: This sequence change replaces glycine, which is neutral and non-polar, with tryptophan, which is neutral and slightly polar, at codon 143 of the TUBA8 protein (p.Gly143Trp). This variant is present in population databases (rs377420893, gnomAD 0.006%). This variant has not been reported in the literature in individuals affected with TUBA8-related conditions. ClinVar contains an entry for this variant (Variation ID: 1211134). Invitae Evidence Modeling of protein sequence and biophysical properties (such as structural, functional, and spatial information, amino acid conservation, physicochemical variation, residue mobility, and thermodynamic stability) indicates that this missense variant is expected to disrupt TUBA8 protein function with a positive predictive value of 80%. In summary, the available evidence is currently insufficient to determine the role of this variant in disease. Therefore, it has been classified as a Variant of Uncertain Significance.

GeneDx
Classification: Uncertain significance. Last evaluated: 2020-06-10. Review status: criteria provided, single submitter. Criteria: GeneDx Variant Classification Process June 2021. Collection method: clinical testing. Allele origin: germline. Affected: yes.
Comment: Has not been previously published as pathogenic or benign to our knowledge; Not observed at a significant frequency in large population cohorts (Lek et al., 2016); In silico analysis, which includes protein predictors and evolutionary conservation, supports a deleterious effect